The following continues an entry in ClinVar:

NM_001267550.2(TTN):c.61876C>T (p.Arg20626Ter)

ClinVar aggregate classification (germline): Pathogenic/Likely pathogenic. Pathogenic (13); Likely pathogenic (7).

Submissions 6 to 21 of 21:

Variantyx, Inc.
Classification: Pathogenic for Dilated cardiomyopathy 1G. Last evaluated: 2025-11-03. Review status: criteria provided, single submitter. Criteria: Variantyx Assertion Criteria 2022. Collection method: clinical testing. Allele origin: germline. Inheritance: Autosomal dominant inheritance. Affected: yes.
Comment: This is a nonsense variant in the TTN gene (OMIM: 188840). Pathogenic variants in this gene have been associated with autosomal dominant dilated cardiomyopathy 1G. This variant introduces a premature termination codon in exon 304 out of 363. It is located within the A band of the titin protein, where the majority of truncating pathogenic variants associated with dilated cardiomyopathy have been reported. This variant is expected to result in loss of function, which is a known disease mechanism for TTN in this disorder (PMID 27869827, 33226272) (PVS1). It has been reported in at least six unrelated, affected individuals (PMID: 22335739, 28798025, 31514951, 24119082) (PS4), and has a 0.0059% maximum allele frequency in non-founder control populations (PM2). Based on the current evidence, this variant is classified as pathogenic for autosomal dominant dilated cardiomyopathy 1G.

Blueprint Genetics
Classification: Pathogenic for TTN-related disorders. Last evaluated: 2024-10-10. Review status: criteria provided, single submitter. Criteria: ACMG Guidelines, 2015. Collection method: clinical testing. Allele origin: germline. Affected: yes. Observed: 3 variant alleles.

CeGaT Center for Human Genetics Tuebingen
Classification: Likely pathogenic. Last evaluated: 2024-07-01. Review status: criteria provided, single submitter. Criteria: CeGaT Center For Human Genetics Tuebingen Variant Classification Criteria Version 2. Collection method: clinical testing. Allele origin: germline. Affected: yes. Observed: 4 variant alleles.
Comment: TTN: PVS1:Strong, PM2, PS4:Moderate

Women's Health and Genetics/Laboratory Corporation of America, LabCorp
Classification: Pathogenic for Primary familial dilated cardiomyopathy. Last evaluated: 2023-09-11. Review status: criteria provided, single submitter. Criteria: LabCorp Variant Classification Summary - May 2015. Collection method: clinical testing. Allele origin: germline.
Comment: Variant summary: TTN c.54172C>T (p.Arg18058X) results in a premature termination codon, predicted to cause a truncation of the encoded protein or absence of the protein due to nonsense mediated decay, which are commonly known mechanisms for disease. Nonsense, frameshift, and canonical splice-site variants in TTN are strongly associated with DCM when they affect exons encoding for the A-band region (PMIDs: 22335739, 24503780) and/or exons constitutively expressed (proportion spliced in [PSI]>0.9) in the primary cardiac isoforms (PMIDs: 25589632, 31216868, 32964742, 27869827), which is the case forthis variant (A band). The variant allele was found at a frequency of 7.6e-05 in 248912 control chromosomes (gnomAD). This frequency is not significantly higher than estimated for a pathogenic variant in TTN causing Dilated Cardiomyopathy (7.6e-05 vs 0.00039), allowing no conclusion about variant significance. c.54172C>T has been reported in the literature in multiple individuals affected with Dilated Cardiomyopathy (e.g. Herman_2012, Merlo_2013, Morales_2020, Enriquez_2021). These data indicate that the variant is very likely to be associated with disease. To our knowledge, no experimental evidence demonstrating an impact on protein function has been reported. The following publications have been ascertained in the context of this evaluation (PMID: 34315225, 22335739, 24119082, 32160020). Thirteen ClinVar submitters have assessed the variant since 2014: seven classified the variant as likely pathogenic, and six as pathogenic. Based on the evidence outlined above, the variant was classified as pathogenic.

Ambry Genetics
Classification: Pathogenic for Cardiovascular phenotype. Last evaluated: 2023-08-10. Review status: criteria provided, single submitter. Criteria: Ambry Variant Classification Scheme 2023. Collection method: clinical testing. Allele origin: germline.
Comment: The p.R11561* pathogenic mutation (also known as c.34681C>T), located in coding exon 131 of the TTN gene, results from a C to T substitution at nucleotide position 34681. This changes the amino acid from an arginine to a stop codon within coding exon 131. This exon is located in the A-band region of the N2-B isoform of the titin protein and is constitutively expressed in TTN transcripts (percent spliced in or PSI 100%). This alteration (also reported as c.56953C>T, p.R18985* in the NM_001256850.1 transcript) has been detected in individuals with dilated cardiomyopathy (DCM) and peripartum cardiomyopathy (Herman DS et al. N. Engl. J. Med., 2012 Feb;366:619-28; Merlo M et al. Clin Transl Sci, 2013 Dec;6:424-8; Naftali-Shani N et al Circulation. 2018;138(23):2721-2723), and has also been detected in a left ventricular non-compaction (LVNC) cohort; however, clinical details were limited (Miszalski-Jamka K et al. Circ Cardiovasc Genet, 2017 Aug;10:[Epub ahead of print]). This alteration is expected to result in loss of function by premature protein truncation or nonsense-mediated mRNA decay. While truncating variants in TTN are present in 1-3% of the general population, truncating variants in the A-band are the most common cause of DCM (Herman DS et al. N. Engl. J. Med., 2012 Feb;366:619-28; Roberts AM et al. Sci Transl Med, 2015 Jan;7:270ra6). TTN truncating variants encoded in constitutive exons (PSI >90%) have been found to be significantly associated with DCM regardless of their position in titin (Schafer S et al. Nat. Genet., 2017 01;49:46-53). Based on the supporting evidence, this alteration is interpreted as a disease-causing mutation.

Molecular Diagnostic Laboratory for Inherited Cardiovascular Disease, Montreal Heart Institute
Classification: Pathogenic for Cardiovascular phenotype. Last evaluated: 2023-06-01. Review status: criteria provided, single submitter. Criteria: ACMG Guidelines, 2015. Collection method: clinical testing. Allele origin: germline. Affected: yes.

Revvity Omics, Revvity
Classification: Likely pathogenic. Last evaluated: 2022-12-16. Review status: criteria provided, single submitter. Criteria: ACMG Guidelines, 2015. Collection method: clinical testing. Allele origin: germline.

AiLife Diagnostics
Classification: Pathogenic. Last evaluated: 2022-01-27. Review status: criteria provided, single submitter. Criteria: ACMG Guidelines, 2015. Collection method: clinical testing. Allele origin: germline. Affected: yes. Observed: 1 variant allele.

Fulgent Genetics
Classification: Pathogenic for Tibial muscular dystrophy; Myopathy, myofibrillar, 9, with early respiratory failure; Dilated cardiomyopathy 1G; Autosomal recessive limb-girdle muscular dystrophy type 2J; Early-onset myopathy with fatal cardiomyopathy; Hypertrophic cardiomyopathy 9. Last evaluated: 2021-10-09. Review status: criteria provided, single submitter. Criteria: ACMG Guidelines, 2015. Collection method: clinical testing. Allele origin: unknown.

Human Genome Sequencing Center Clinical Lab, Baylor College of Medicine
Classification: Likely pathogenic for Dilated cardiomyopathy 1G. Last evaluated: 2019-10-31. Review status: criteria provided, single submitter. Criteria: ACMG Guidelines, 2015. Collection method: clinical testing. Allele origin: germline.
Comment: The c.61876C>T (p.Arg20626Ter) variant in the TTN gene is predicted to introduce a premature translation termination codon and loss of normal protein function. This variant has been reported in two individuals with dilated cardiomyopathy (PMID: 22335739, 24119082). This variant is found in the A-band of TTN. Truncating variants in the A-band of TTN are significantly overrepresented in patients with dilated cardiomyopathy and are considered to be pathogenic for the disease (PMID: 25589632). For these reasons, this variant has been classified as Likely Pathogenic.

Laboratory for Molecular Medicine, Mass General Brigham Personalized Medicine
Classification: Likely pathogenic for Primary dilated cardiomyopathy. Last evaluated: 2019-03-08. Review status: criteria provided, single submitter. Criteria: LMM Criteria. Collection method: clinical testing. Allele origin: germline. Observed: 6 variant alleles.
Comment: The p.Arg18058X variant in TTN has been identified in >20 individuals with DCM and segregated with disease in 3 affected individuals from 3 families (Herman 2012, Merlo 2013, unpublished data from GeneDx, Ambry, Invitae, and LMM). It has also been identified in 6 individuals with centronuclear myopathy or who underwent genetic testing for neuromuscular disorders (Elahi 2018, EGL pers. comm., Invitae pers. comm.). This variant has been identified in 0.16% (17/10348) of Ashkenazi Jewish, 1/128284 European, and 1/35320 Latino chromosomes by gnomAD. Although the frequency in the Ashkenazi Jewish population is higher than expected for a pathogenic variant based on the disease prevalence of DCM, a comparison of the prevalence of this variant in the gnomAD database to DCM patients (LMM data only) shows that it is statistically enriched in the patient population (OR=23.4, p<0.0001). This nonsense variant leads to a premature termination codon at position 18058, which is predicted to lead to a truncated or absent protein. TTN truncating variants located in exons that are highly expressed in the heart are strongly associated with autosomal dominant DCM, particularly if they are located in the A-band, where this variant is located (Herman 2012, Pugh 2014). In addition, TTN variants have also been associated with myopathies and other neuromuscular conditions, which usually have autosomal recessive inheritance (Savarese 2016). In summary, this variant meets criteria to be classified as likely pathogenic for autosomal dominant DCM based on the predicted loss of function impact, enrichment in affected individuals, and segregation studies. ACMG/AMP criteria applied: PVS1_Strong, PP1, PS4_Supporting.

Knight Diagnostic Laboratories, Oregon Health and Sciences University
Classification: Pathogenic for Cardiomyopathy, dilated. Last evaluated: 2018-11-29. Review status: criteria provided, single submitter. Criteria: ACMG Guidelines, 2015. Collection method: clinical testing. Allele origin: germline. Observed: 1 variant allele.

CHEO Genetics Diagnostic Laboratory, Children's Hospital of Eastern Ontario
Classification: Likely pathogenic for Cardiomyopathy. Last evaluated: 2018-07-23. Review status: criteria provided, single submitter. Criteria: ACMG Guidelines, 2015. Collection method: clinical testing. Allele origin: germline.

Eurofins Ntd Llc (ga)
Classification: Likely pathogenic. Last evaluated: 2016-02-18. Review status: criteria provided, single submitter. Criteria: EGL Classification Definitions 2015. Collection method: clinical testing. Allele origin: germline. Observed: 1 variant allele, 1 heterozygote.

Hadassah Hebrew University Medical Center
Classification: Pathogenic for Dilated cardiomyopathy 1G. Review status: criteria provided, single submitter. Criteria: ACMG Guidelines, 2015. Collection method: research. Allele origin: germline. Affected: no. Observed: 1 variant allele.

Cardiogenetics and Myogenetics Molecular and Cellular Functional Unit, Aphp Sorbonne University-Hopital Pitie Salpetriere
Classification: Likely pathogenic for Dilated cardiomyopathy 1G. Last evaluated: 2024-01-06. Review status: no assertion criteria provided. Collection method: clinical testing. Allele origin: germline. Affected: yes. Not counted in ClinVar's aggregate classification.

Literature cited by the submitters: DOI 10.1101/2025.07.17.25331135 (cited by Myofin, Folkhalsan Research Center); PubMed 22335739 (cited by 6 submitters); PubMed 31660661 (cited by Labcorp Genetics (formerly Invitae), Labcorp and AiLife Diagnostics); PubMed 25589632 (cited by Labcorp Genetics (formerly Invitae), Labcorp and Victorian Clinical Genetics Services, Murdoch Childrens Research Institute); PubMed 23975875 (cited by Labcorp Genetics (formerly Invitae), Labcorp); PubMed 27869827 (cited by Variantyx, Inc.); PubMed 33226272 (cited by Variantyx, Inc.); PubMed 28798025 (cited by 3 submitters); PubMed 31514951 (cited by Variantyx, Inc. and AiLife Diagnostics); PubMed 24119082 (cited by 5 submitters); PubMed 34315225 (cited by Women's Health and Genetics/Laboratory Corporation of America, LabCorp); PubMed 32160020 (cited by Women's Health and Genetics/Laboratory Corporation of America, LabCorp and AiLife Diagnostics); PubMed 30535219 (cited by Ambry Genetics and AiLife Diagnostics); PubMed 30536954 (cited by Ambry Genetics and Laboratory for Molecular Medicine, Mass General Brigham Personalized Medicine); PubMed 30571272 (cited by Ambry Genetics); PubMed 30609409 (cited by Ambry Genetics and AiLife Diagnostics); PubMed 32277046 (cited by AiLife Diagnostics); PubMed 24503780 (cited by Laboratory for Molecular Medicine, Mass General Brigham Personalized Medicine).